The following is an entry in ClinVar:

NM_001370259.2(MEN1):c.1286C>T (p.Thr429Met)

Gene: MEN1 (menin 1; minus strand). Cytogenetic location: 11q13.1.
Variant type: single nucleotide variant.
Coding change: c.1286C>T on transcript NM_001370259.2 (MANE Select); coding-DNA position 1286, C replaced by T.
Protein change: p.Thr429Met; replaces threonine 429 with methionine.
Molecular consequence: missense variant.
Genome position (GRCh38, 1-based): chr11:64,805,098, G>A on the plus strand (C>T on the coding strand, the complement: MEN1 is on the minus strand). VCF-style: chr11-64805098-G-A. GRCh37 (hg19) VCF-style: chr11-64572570-G-A.
Other names: c.1301C>T, p.Thr434Met (NM_000244.4, NM_130800.3, NM_130801.3 and 3 more transcripts); c.1412C>T, p.Thr471Met (NM_001370251.2); c.1286C>T, p.Thr429Met (NM_001370260.2, NM_001370261.2, NM_130799.3); c.1181C>T, p.Thr394Met (NM_001370262.2, NM_001370263.2); short protein forms T429M, T471M, T394M, T434M.
Identifiers: ClinVar variation 1477829 (VCV001477829.9), dbSNP rs757803925, ClinGen allele CA060347.

ClinVar aggregate classification (germline): Uncertain significance. Review status: criteria provided, multiple submitters, no conflicts (2 of 4 stars). 2 submissions from 2 submitters: Uncertain significance (2). Last evaluated 2025-10-22.

Conditions:
Hereditary cancer-predisposing syndrome. Also called: Hereditary neoplastic syndrome; Tumor predisposition; Neoplastic Syndromes, Hereditary; Hereditary Cancer Syndrome. Identifiers: Orphanet 140162, MedGen C0027672, MeSH D009386, MONDO:0015356.
Multiple endocrine neoplasia, type 1 (MEN1). Also called: MEN I; WERMER SYNDROME; Endocrine adenomatosis multiple; MEN 1; MEA I. Identifiers: Orphanet 652, MedGen C0025267, MeSH D018761, MONDO:0007540, OMIM 131100.

Allele frequency attached by ClinVar (database versions not stated): gnomAD exomes below 0.00001; ExAC 0.00001.

Submissions (2):

Labcorp Genetics (formerly Invitae), Labcorp
Classification: Uncertain significance for Multiple endocrine neoplasia, type 1. Last evaluated: 2025-10-22. Review status: criteria provided, single submitter. Criteria: Invitae Variant Classification Sherloc (09022015). Collection method: clinical testing. Allele origin: germline.
Comment: This sequence change replaces threonine, which is neutral and polar, with methionine, which is neutral and non-polar, at codon 429 of the MEN1 protein (p.Thr429Met). The frequency data for this variant in the population databases is considered unreliable, as metrics indicate poor data quality at this position in the gnomAD database. This variant has not been reported in the literature in individuals affected with MEN1-related conditions. ClinVar contains an entry for this variant (Variation ID: 1477829). Invitae Evidence Modeling of protein sequence and biophysical properties (such as structural, functional, and spatial information, amino acid conservation, physicochemical variation, residue mobility, and thermodynamic stability) indicates that this missense variant is expected to disrupt MEN1 protein function with a positive predictive value of 95%. In summary, the available evidence is currently insufficient to determine the role of this variant in disease. Therefore, it has been classified as a Variant of Uncertain Significance.

Ambry Genetics
Classification: Uncertain significance for Hereditary cancer-predisposing syndrome. Last evaluated: 2024-12-23. Review status: criteria provided, single submitter. Criteria: Ambry Variant Classification Scheme 2023. Collection method: clinical testing. Allele origin: germline.
Comment: The p.T429M variant (also known as c.1286C>T), located in coding exon 8 of the MEN1 gene, results from a C to T substitution at nucleotide position 1286. The threonine at codon 429 is replaced by methionine, an amino acid with similar properties. This amino acid position is highly conserved in available vertebrate species. In addition, this alteration is predicted to be deleterious by in silico analysis. Based on the available evidence, the clinical significance of this variant remains unclear.